The following is an entry in ClinVar:

NM_001365536.1(SCN9A):c.1309G>A (p.Ala437Thr)

Genes: SCN9A (sodium voltage-gated channel alpha subunit 9; minus strand), SCN1A-AS1 (SCN1A and SCN9A antisense RNA 1; plus strand). Cytogenetic location: 2q24.3.
Variant type: single nucleotide variant.
Coding change: c.1309G>A on transcript NM_001365536.1 (MANE Select); coding-DNA position 1309, G replaced by A.
Protein change: p.Ala437Thr; replaces alanine 437 with threonine.
Molecular consequence: missense variant.
Genome position (GRCh38, 1-based): chr2:166,288,442, C>T on the plus strand (G>A on the coding strand, the complement: SCN9A is on the minus strand). VCF-style: chr2-166288442-C-T. GRCh37 (hg19) VCF-style: chr2-167144952-C-T.
Other names: c.1309G>A, p.Ala437Thr (NM_002977.4); short protein forms A437T.
Identifiers: ClinVar variation 1212940 (VCV001212940.11), dbSNP rs759299867, ClinGen allele CA1944551.

ClinVar aggregate classification (germline): Uncertain significance. Review status: criteria provided, multiple submitters, no conflicts (2 of 4 stars). 2 submissions from 2 submitters: Uncertain significance (2). Last evaluated 2021-03-17.

Conditions:
Neuropathy, hereditary sensory and autonomic, type 2A (HSAN2A). Also called: HSAN IIA; NEUROPATHY, CONGENITAL SENSORY; NEUROPATHY, HEREDITARY SENSORY RADICULAR, AUTOSOMAL RECESSIVE; NEUROPATHY, HEREDITARY SENSORY, TYPE IIA; NEUROPATHY, PROGRESSIVE SENSORY, OF CHILDREN; ACROOSTEOLYSIS, GIACCAI TYPE. Identifiers: Orphanet 970, MedGen C2752089, MONDO:0024309, OMIM 201300.
Generalized epilepsy with febrile seizures plus, type 7 (GEFSP7). Also called: GEFS+, TYPE 7. Identifiers: Orphanet 36387, MedGen C2751778, MONDO:0013470, OMIM 613863.

Allele frequency attached by ClinVar (database versions not stated): gnomAD exomes below 0.00001 and 0.00001; ExAC 0.00001; gnomAD 0.00001.
gnomAD v4.1: 7 of 1,607,300 alleles (0.00044%); highest among the groups gnomAD compares: Non-Finnish European, 0.0006%; no homozygotes.

Submissions (2):

Labcorp Genetics (formerly Invitae), Labcorp
Classification: Uncertain significance for Neuropathy, hereditary sensory and autonomic, type 2A; Generalized epilepsy with febrile seizures plus, type 7. Last evaluated: 2021-03-17. Review status: criteria provided, single submitter. Criteria: Invitae Variant Classification Sherloc (09022015). Collection method: clinical testing. Allele origin: germline.
Comment: In summary, the available evidence is currently insufficient to determine the role of this variant in disease. Therefore, it has been classified as a Variant of Uncertain Significance. Algorithms developed to predict the effect of missense changes on protein structure and function are either unavailable or do not agree on the potential impact of this missense change (SIFT: "Deleterious"; PolyPhen-2: "Benign"; Align-GVGD: "Class C55"). This variant has not been reported in the literature in individuals with SCN9A-related conditions. This variant is present in population databases (rs759299867, ExAC 0.002%). This sequence change replaces alanine with threonine at codon 437 of the SCN9A protein (p.Ala437Thr). The alanine residue is highly conserved and there is a small physicochemical difference between alanine and threonine.

GeneDx
Classification: Uncertain significance. Last evaluated: 2019-07-18. Review status: criteria provided, single submitter. Criteria: GeneDx Variant Classification Process June 2021. Collection method: clinical testing. Allele origin: germline. Affected: yes.
Comment: Not observed at a significant frequency in large population cohorts (Lek et al., 2016); In silico analysis, which includes protein predictors and evolutionary conservation, supports a deleterious effect; Has not been previously published as pathogenic or benign to our knowledge; Predicted to be in the cytoplasmic loop between the first and second homologous domains (Uniprot)